The following is an entry in ClinVar:

ClinVar aggregate classification (germline): Benign (1 of 4 stars; one submission).

Submission:

ISCA site 15
Classification: Benign. Last evaluated: 2011-08-12. Review status: criteria provided, single submitter. Criteria: Kaminsky et al. (Genet Med. 2011). Collection method: clinical testing. Allele origin: unknown. Affected: yes. Observed: 1 variant allele.
Comment: Copy number variation identified through the course of routine clinical cytogenomic testing in postnatal populations. Clinical assertions have been curated as described in Kaminsky et al. 2011.

GRCh38/hg38 Xp22.31(chrX:6539362-8064079)x2

Genes: MIR4767 (microRNA 4767; plus strand), PNPLA4 (patatin like phospholipase domain containing 4; minus strand), PUDP (pseudouridine 5'-phosphatase; minus strand), STS (steroid sulfatase; plus strand), VCX (variable charge X-linked; plus strand) and 20 more. Cytogenetic location: Xp22.31.
Variant type: copy number gain.
Change: copy number 2 of chrX:6,539,362-8,064,079 (1.52 Mb, GRCh38 coordinates, 1-based), cytogenetic band Xp22.31.
Identifiers: ClinVar variation 59824 (VCV000059824.1).